The following is an entry in ClinVar:

NM_001080517.3(SETD5):c.2608A>C (p.Thr870Pro)

Gene: SETD5 (SET domain containing 5; plus strand). Cytogenetic location: 3p25.3.
Variant type: single nucleotide variant.
Coding change: c.2608A>C on transcript NM_001080517.3 (MANE Select); coding-DNA position 2608, A replaced by C.
Protein change: p.Thr870Pro; replaces threonine 870 with proline.
Molecular consequence: missense variant.
Genome position (GRCh38, 1-based): chr3:9,464,556, A>C. VCF-style: chr3-9464556-A-C. GRCh37 (hg19) VCF-style: chr3-9506240-A-C.
Other names: c.2314A>C, p.Thr772Pro (NM_001292043.2, NM_001349451.2); short protein forms T772P, T870P.
Identifiers: ClinVar variation 1353252 (VCV001353252.6), dbSNP rs2125500964, ClinGen allele CA351707934.

ClinVar aggregate classification (germline): Uncertain significance (1 of 4 stars; one submission).

Submission:

Labcorp Genetics (formerly Invitae), Labcorp
Classification: Uncertain significance. Last evaluated: 2022-10-10. Review status: criteria provided, single submitter. Criteria: Invitae Variant Classification Sherloc (09022015). Collection method: clinical testing. Allele origin: germline.
Comment: In summary, the available evidence is currently insufficient to determine the role of this variant in disease. Therefore, it has been classified as a Variant of Uncertain Significance. Advanced modeling of protein sequence and biophysical properties (such as structural, functional, and spatial information, amino acid conservation, physicochemical variation, residue mobility, and thermodynamic stability) performed at Invitae indicates that this missense variant is not expected to disrupt SETD5 protein function. ClinVar contains an entry for this variant (Variation ID: 1353252). This variant has not been reported in the literature in individuals affected with SETD5-related conditions. This variant is not present in population databases (gnomAD no frequency). This sequence change replaces threonine, which is neutral and polar, with proline, which is neutral and non-polar, at codon 870 of the SETD5 protein (p.Thr870Pro).